The following is an entry in ClinVar:

NM_000557.5(GDF5):c.404dup (p.Ala137fs)

Gene: GDF5 (growth differentiation factor 5; minus strand). Cytogenetic location: 20q11.22.
Variant type: Duplication.
Coding change: c.404dup on transcript NM_000557.5 (MANE Select); coding-DNA position 404, one base duplicated (C; older notation c.404dupC).
Protein change: p.Ala137fs; shifts the reading frame from alanine 137.
Molecular consequence: frameshift variant.
Genome position (GRCh38, 1-based): chr20:35,437,525, G duplicated on the plus strand (C on the coding strand, the reverse complement: GDF5 is on the minus strand); the first of 5 consecutive G bases (chr20:35,437,525-35,437,529); duplicating any one gives the same sequence. VCF-style (leftmost placement, unchanged base first): chr20-35437524-T-TG. GRCh37 (hg19) VCF-style: chr20-34025304-T-TG.
Other names: c.404dup, p.Ala137fs (NM_001319138.2); short protein forms A137fs.
Identifiers: ClinVar variation 1454129 (VCV001454129.6), dbSNP rs2146582931, ClinGen allele CA2573157009.

ClinVar aggregate classification (germline): Pathogenic (1 of 4 stars; one submission).

Submission:

Labcorp Genetics (formerly Invitae), Labcorp
Classification: Pathogenic. Last evaluated: 2021-05-29. Review status: criteria provided, single submitter. Criteria: Invitae Variant Classification Sherloc (09022015). Collection method: clinical testing. Allele origin: germline.
Comment: This sequence change creates a premature translational stop signal (p.Ala137Serfs*48) in the GDF5 gene. It is expected to result in an absent or disrupted protein product. Loss-of-function variants in GDF5 are known to be pathogenic (PMID: 8589725, 9288091, 12121354, 12357473, 27577507). This variant is not present in population databases (ExAC no frequency). This variant has not been reported in the literature in individuals with GDF5-related conditions. For these reasons, this variant has been classified as Pathogenic.

Literature cited by the submitters: PubMed 8589725; PubMed 9288091; PubMed 12121354; PubMed 12357473; PubMed 27577507.